The following is an entry in ClinVar:

ClinVar aggregate classification (germline): Conflicting classifications of pathogenicity. Review status: criteria provided, conflicting classifications (1 of 4 stars). 3 submissions from 3 submitters: Uncertain significance (2); Likely benign (1). Last evaluated 2024-10-22.

Conditions:
Inborn genetic diseases. Identifiers: MedGen C0950123, MeSH D030342.
USH2A-related disorder. Also called: USH2A-related disorders; USH2A-related condition. Identifiers: MedGen CN239332.

Allele frequency attached by ClinVar (database versions not stated): gnomAD 0.00001; gnomAD exomes 0.00001 and 0.00002; TOPMed 0.00001; ExAC 0.00003; ESP Exome Variant Server 0.00015.
gnomAD v4.1: 22 of 1,614,012 alleles (0.0014%); highest among the groups gnomAD compares: Admixed American, 0.005%; no homozygotes.

Submissions (3):

PreventionGenetics, part of Exact Sciences
Classification: Uncertain significance for USH2A-related condition. Last evaluated: 2024-10-22. Review status: criteria provided, single submitter. Criteria: ACMG Guidelines, 2015. Collection method: clinical testing. Allele origin: germline.
Comment: The USH2A c.12304A>G variant is predicted to result in the amino acid substitution p.Ile4102Val. To our knowledge, this variant has not been reported in the literature. This variant is reported in 0.0056% of alleles in individuals of Latino descent in gnomAD. At this time, the clinical significance of this variant is uncertain due to the absence of conclusive functional and genetic evidence.

Ambry Genetics
Classification: Likely benign for Inborn genetic diseases. Last evaluated: 2024-08-27. Review status: criteria provided, single submitter. Criteria: Ambry Variant Classification Scheme 2023. Collection method: clinical testing. Allele origin: germline.

Labcorp Genetics (formerly Invitae), Labcorp
Classification: Uncertain significance. Last evaluated: 2022-03-10. Review status: criteria provided, single submitter. Criteria: Invitae Variant Classification Sherloc (09022015). Collection method: clinical testing. Allele origin: germline.
Comment: This sequence change replaces isoleucine, which is neutral and non-polar, with valine, which is neutral and non-polar, at codon 4102 of the USH2A protein (p.Ile4102Val). This variant is present in population databases (rs377354842, gnomAD 0.006%). This variant has not been reported in the literature in individuals affected with USH2A-related conditions. Algorithms developed to predict the effect of missense changes on protein structure and function output the following: SIFT: "Tolerated"; PolyPhen-2: "Benign"; Align-GVGD: "Class C0". The valine amino acid residue is found in multiple mammalian species, which suggests that this missense change does not adversely affect protein function. In summary, the available evidence is currently insufficient to determine the role of this variant in disease. Therefore, it has been classified as a Variant of Uncertain Significance.

NM_206933.4(USH2A):c.12304A>G (p.Ile4102Val)

Gene: USH2A (usherin; minus strand). Cytogenetic location: 1q41.
Variant type: single nucleotide variant.
Coding change: c.12304A>G on transcript NM_206933.4 (MANE Select); coding-DNA position 12304, A replaced by G.
Protein change: p.Ile4102Val; replaces isoleucine 4102 with valine.
Molecular consequence: missense variant.
Genome position (GRCh38, 1-based): chr1:215,675,607, T>C on the plus strand (A>G on the coding strand, the complement: USH2A is on the minus strand). VCF-style: chr1-215675607-T-C. GRCh37 (hg19) VCF-style: chr1-215848949-T-C.
Other names: c.12304A>G (NM_206933.2); short protein forms I4102V.
Identifiers: ClinVar variation 1353228 (VCV001353228.6), dbSNP rs377354842, ClinGen allele CA1393493.